The following is an entry in ClinVar:

NM_001029883.3(PCARE):c.1691G>A (p.Trp564Ter)

Gene: PCARE (photoreceptor cilium actin regulator; minus strand). Cytogenetic location: 2p23.2.
Variant type: single nucleotide variant.
Coding change: c.1691G>A on transcript NM_001029883.3 (MANE Select); coding-DNA position 1691, G replaced by A.
Protein change: p.Trp564Ter; replaces tryptophan 564 with a stop codon.
Molecular consequence: nonsense.
Genome position (GRCh38, 1-based): chr2:29,072,571, C>T on the plus strand (G>A on the coding strand, the complement: PCARE is on the minus strand). VCF-style: chr2-29072571-C-T. GRCh37 (hg19) VCF-style: chr2-29295437-C-T.
Other names: short protein forms W564*.
Identifiers: ClinVar variation 2723828 (VCV002723828.4), dbSNP rs1195259002, ClinGen allele CA346479114.

ClinVar aggregate classification (germline): Pathogenic/Likely pathogenic. Review status: criteria provided, multiple submitters, no conflicts (2 of 4 stars). 2 submissions from 2 submitters: Pathogenic (1); Likely pathogenic (1). Last evaluated 2024-05-23.

Conditions:
C2ORF71 & PCARE-related disorders.

gnomAD v4.1: 9 of 1,614,198 alleles (0.00056%); highest among the groups gnomAD compares: Non-Finnish European, 0.00068%; no homozygotes.

Submissions (2):

Blueprint Genetics
Classification: Likely pathogenic for C2ORF71 & PCARE-related disorders. Last evaluated: 2024-05-23. Review status: criteria provided, single submitter. Criteria: ACMG Guidelines, 2015. Collection method: clinical testing. Allele origin: germline. Affected: yes. Observed: 3 variant alleles.

Labcorp Genetics (formerly Invitae), Labcorp
Classification: Pathogenic. Last evaluated: 2024-01-26. Review status: criteria provided, single submitter. Criteria: Invitae Variant Classification Sherloc (09022015). Collection method: clinical testing. Allele origin: germline.
Comment: This sequence change creates a premature translational stop signal (p.Trp564*) in the PCARE gene. It is expected to result in an absent or disrupted protein product. Loss-of-function variants in PCARE are known to be pathogenic (PMID: 20398886, 24339724, 26496393). This variant is not present in population databases (gnomAD no frequency). This variant has not been reported in the literature in individuals affected with PCARE-related conditions. For these reasons, this variant has been classified as Pathogenic.

Literature cited by the submitters: PubMed 20398886 (cited by Labcorp Genetics (formerly Invitae), Labcorp); PubMed 24339724 (cited by Labcorp Genetics (formerly Invitae), Labcorp); PubMed 26496393 (cited by Labcorp Genetics (formerly Invitae), Labcorp).